The following is an entry in ClinVar:

NM_012469.4(PRPF6):c.1007C>T (p.Thr336Met)

Gene: PRPF6 (pre-mRNA processing factor 6; plus strand). Cytogenetic location: 20q13.33.
Variant type: single nucleotide variant.
Coding change: c.1007C>T on transcript NM_012469.4 (MANE Select); coding-DNA position 1007, C replaced by T.
Protein change: p.Thr336Met; replaces threonine 336 with methionine.
Molecular consequence: missense variant.
Genome position (GRCh38, 1-based): chr20:63,999,743, C>T. VCF-style: chr20-63999743-C-T. GRCh37 (hg19) VCF-style: chr20-62631096-C-T.
Other names: short protein forms T336M.
Identifiers: ClinVar variation 3682523 (VCV003682523.2).

ClinVar aggregate classification (germline): Uncertain significance (1 of 4 stars; one submission).

gnomAD v4.1: 7 of 1,614,140 alleles (0.00043%); highest among the groups gnomAD compares: East Asian, 0.0022%; no homozygotes.

Submission:

Labcorp Genetics (formerly Invitae), Labcorp
Classification: Uncertain significance. Last evaluated: 2024-11-19. Review status: criteria provided, single submitter. Criteria: Invitae Variant Classification Sherloc (09022015). Collection method: clinical testing. Allele origin: germline.
Comment: This sequence change replaces threonine, which is neutral and polar, with methionine, which is neutral and non-polar, at codon 336 of the PRPF6 protein (p.Thr336Met). This variant is not present in population databases (gnomAD no frequency). This variant has not been reported in the literature in individuals affected with PRPF6-related conditions. Invitae Evidence Modeling of protein sequence and biophysical properties (such as structural, functional, and spatial information, amino acid conservation, physicochemical variation, residue mobility, and thermodynamic stability) indicates that this missense variant is not expected to disrupt PRPF6 protein function with a negative predictive value of 80%. In summary, the available evidence is currently insufficient to determine the role of this variant in disease. Therefore, it has been classified as a Variant of Uncertain Significance.